The following is an entry in ClinVar:

NM_178013.4(PRIMA1):c.189G>C (p.Pro63=)

Gene: PRIMA1 (proline rich membrane anchor 1; minus strand). Cytogenetic location: 14q32.12.
Variant type: single nucleotide variant.
Coding change: c.189G>C on transcript NM_178013.4 (MANE Select); coding-DNA position 189, G replaced by C.
Protein change: p.Pro63=; no amino-acid change (proline 63 retained).
Molecular consequence: synonymous variant.
Genome position (GRCh38, 1-based): chr14:93,779,216, C>G on the plus strand (G>C on the coding strand, the complement: PRIMA1 is on the minus strand). VCF-style: chr14-93779216-C-G. GRCh37 (hg19) VCF-style: chr14-94245562-C-G.
Identifiers: ClinVar variation 3042019 (VCV003042019.2), dbSNP rs775188425, ClinGen allele CA7323082.
Genomic context (GRCh38, chr14:93,779,216, plus strand): 5'-TGGAGTGAGCCATTACTTACCTGGGGCGGAGAGGAGTCTGGGAGGTGGCGGGGGTGGGGG[C>G]GGCGGGGGCAGCGGGGGAGGGGGCCGGCACTGGCAGACGTGTCGGCAGCTGTCAGTCACT-3'
Protein context (NP_821092.1, residues 53-73): QCRPPPPLPP[Pro63=]PPPPPPPRLL

ClinVar aggregate classification (germline): Likely benign (0 of 4 stars; one submission).

Conditions:
PRIMA1-related disorder. Also called: PRIMA1-related condition.

Submission:

PreventionGenetics, part of Exact Sciences
Classification: Likely benign for PRIMA1-related condition. Last evaluated: 2019-03-06. Review status: no assertion criteria provided. Collection method: clinical testing. Allele origin: germline.
Comment: This variant is classified as likely benign based on ACMG/AMP sequence variant interpretation guidelines (Richards et al. 2015 PMID: 25741868, with internal and published modifications).